The following is an entry in ClinVar:

NM_001267550.2(TTN):c.11836C>T (p.Pro3946Ser)

Gene: TTN (titin; minus strand). Cytogenetic location: 2q31.2.
Variant type: single nucleotide variant.
Coding change: c.11836C>T on transcript NM_001267550.2 (MANE Select); coding-DNA position 11836, C replaced by T.
Protein change: p.Pro3946Ser; replaces proline 3946 with serine.
Molecular consequence: missense variant. On other transcripts: intron variant (1).
Genome position (GRCh38, 1-based): chr2:178,741,397, G>A on the plus strand (C>T on the coding strand, the complement: TTN is on the minus strand). VCF-style: chr2-178741397-G-A. GRCh37 (hg19) VCF-style: chr2-179606124-G-A.
Other names: c.10885C>T, p.Pro3629Ser (NM_001256850.1); c.10747C>T, p.Pro3583Ser (NM_003319.4); c.11122C>T, p.Pro3708Ser (NM_133432.3); c.11323C>T, p.Pro3775Ser (NM_133437.4); c.10361-3037C>T (NM_133378.4); short protein forms P3708S, P3946S, P3629S, P3775S, P3583S.
Identifiers: ClinVar variation 1784267 (VCV001784267.3), dbSNP rs970485392, ClinGen allele CA60984654.

ClinVar aggregate classification (germline): Uncertain significance. Review status: criteria provided, multiple submitters, no conflicts (2 of 4 stars). 2 submissions from 2 submitters: Uncertain significance (2). Last evaluated 2025-08-25.

Conditions:
Cardiovascular phenotype. Identifiers: MedGen CN230736.
TTN-related disorder. Also called: TTN-related disorders; TTN-related condition; TTN-related disease.

Allele frequency attached by ClinVar (database versions not stated): TOPMed 0.00002; gnomAD 0.00003.
gnomAD v4.1: 7 of 1,613,756 alleles (0.00043%); highest among the groups gnomAD compares: African/African-American, 0.008%; no homozygotes.

Submissions (2):

PreventionGenetics, part of Exact Sciences
Classification: Uncertain significance for TTN-related condition. Last evaluated: 2025-08-25. Review status: criteria provided, single submitter. Criteria: ACMG Guidelines, 2015. Collection method: clinical testing. Allele origin: germline.
Comment: The TTN c.11836C>T variant is predicted to result in the amino acid substitution p.Pro3946Ser. To our knowledge, this variant has not been reported in the literature. This variant is reported in 0.0065% of alleles in individuals of African descent in gnomAD. At this time, the clinical significance of this variant is uncertain due to the absence of conclusive functional and genetic evidence.

Ambry Genetics
Classification: Uncertain significance for Cardiovascular phenotype. Last evaluated: 2020-03-03. Review status: criteria provided, single submitter. Criteria: Ambry Variant Classification Scheme 2023. Collection method: clinical testing. Allele origin: germline.
Comment: The p.P3583S variant (also known as c.10747C>T), located in coding exon 44 of the TTN gene, results from a C to T substitution at nucleotide position 10747. The proline at codon 3583 is replaced by serine, an amino acid with similar properties. This amino acid position is not well conserved in available vertebrate species. In addition, this alteration is predicted to be tolerated by in silico analysis. Since supporting evidence is limited at this time, the clinical significance of this alteration remains unclear.